The following is an entry in ClinVar:

NM_003470.3(USP7):c.681C>G (p.Ser227Arg)

Gene: USP7 (ubiquitin specific peptidase 7; minus strand). Cytogenetic location: 16p13.2.
Variant type: single nucleotide variant.
Coding change: c.681C>G on transcript NM_003470.3 (MANE Select); coding-DNA position 681, C replaced by G.
Protein change: p.Ser227Arg; replaces serine 227 with arginine.
Molecular consequence: missense variant. On other transcripts: non-coding transcript variant (1).
Genome position (GRCh38, 1-based): chr16:8,919,070, G>C on the plus strand (C>G on the coding strand, the complement: USP7 is on the minus strand). VCF-style: chr16-8919070-G-C. GRCh37 (hg19) VCF-style: chr16-9012927-G-C.
Other names: c.633C>G, p.Ser211Arg (NM_001286457.2); c.384C>G, p.Ser128Arg (NM_001286458.2); c.507C>G, p.Ser169Arg (NM_001321858.2); short protein forms S169R, S227R, S211R, S128R.
Identifiers: ClinVar variation 4634281 (VCV004634281.1).

ClinVar aggregate classification (germline): Uncertain significance (1 of 4 stars; one submission).

Conditions:
Inborn genetic diseases. Identifiers: MedGen C0950123, MeSH D030342.

Submission:

Ambry Genetics
Classification: Uncertain significance for Inborn genetic diseases. Last evaluated: 2025-10-27. Review status: criteria provided, single submitter. Criteria: Ambry Variant Classification Scheme 2023. Collection method: clinical testing. Allele origin: germline.
Comment: The c.681C>G (p.S227R) alteration is located in exon 6 (coding exon 6) of the USP7 gene. This alteration results from a C to G substitution at nucleotide position 681, causing the serine (S) at amino acid position 227 to be replaced by an arginine (R). This variant was not reported in population-based cohorts in the Genome Aggregation Database (gnomAD). This amino acid position is highly conserved in available vertebrate species. This missense alteration is located in a region that has a low rate of benign missense variation (Lek, 2016; Firth, 2009). The in silico prediction for this alteration is inconclusive. Based on insufficient or conflicting evidence, the clinical significance of this alteration remains unclear.